The following is an entry in ClinVar:

NM_004208.4(AIFM1):c.397C>T (p.Pro133Ser)

Genes: AIFM1 (apoptosis inducing factor mitochondria associated 1; minus strand), RAB33A (RAB33A, member RAS oncogene family; plus strand). Cytogenetic location: Xq26.1.
Variant type: single nucleotide variant.
Coding change: c.397C>T on transcript NM_004208.4 (MANE Select); coding-DNA position 397, C replaced by T.
Protein change: p.Pro133Ser; replaces proline 133 with serine.
Molecular consequence: missense variant. On other transcripts: non-coding transcript variant (1).
Genome position (GRCh38, 1-based): chrX:130,147,829, G>A on the plus strand (C>T on the coding strand, the complement: AIFM1 is on the minus strand). VCF-style: chrX-130147829-G-A. GRCh37 (hg19) VCF-style: chrX-129281804-G-A.
Other names: c.397C>T, p.Pro133Ser (NM_001130847.4); c.385C>T, p.Pro129Ser (NM_145812.3); short protein forms P129S, P133S.
Identifiers: ClinVar variation 2940562 (VCV002940562.3), dbSNP rs2523146586, ClinGen allele CA414589078.
Genomic context (GRCh38, chrX:130,147,829, plus strand): 5'-GAGCCCGGATGGATCTGGCTGCAGCAAAAGCAGCTGTGCCTCCACCAATTAGCAGGAAAG[G>A]AACATGACTTGGCGCCTTGTCTTGAGGAACTTCCTCTCCTTCTGAAGCTGAAAGCAACAG-3'
Protein context (NP_004199.1, residues 123-143): VPQDKAPSHV[Pro133Ser]FLLIGGGTAA

ClinVar aggregate classification (germline): Uncertain significance (1 of 4 stars; one submission).

Conditions:
Combined oxidative phosphorylation deficiency. Identifiers: MedGen C4540031, MONDO:0000732.
Charcot-Marie-Tooth Neuropathy X. Identifiers: MedGen CN118851.

Submission:

Labcorp Genetics (formerly Invitae), Labcorp
Classification: Uncertain significance for Charcot-Marie-Tooth Neuropathy X; Combined oxidative phosphorylation deficiency. Last evaluated: 2023-09-01. Review status: criteria provided, single submitter. Criteria: Invitae Variant Classification Sherloc (09022015). Collection method: clinical testing. Allele origin: germline.
Comment: This sequence change replaces proline, which is neutral and non-polar, with serine, which is neutral and polar, at codon 133 of the AIFM1 protein (p.Pro133Ser). This variant is not present in population databases (gnomAD no frequency). This variant has not been reported in the literature in individuals affected with AIFM1-related conditions. Advanced modeling of protein sequence and biophysical properties (such as structural, functional, and spatial information, amino acid conservation, physicochemical variation, residue mobility, and thermodynamic stability) has been performed at Invitae for this missense variant, however the output from this modeling did not meet the statistical confidence thresholds required to predict the impact of this variant on AIFM1 protein function. In summary, the available evidence is currently insufficient to determine the role of this variant in disease. Therefore, it has been classified as a Variant of Uncertain Significance.